The following is an entry in ClinVar:

ClinVar aggregate classification (germline): Uncertain significance. Review status: criteria provided, multiple submitters, no conflicts (2 of 4 stars). 2 submissions from 2 submitters: Uncertain significance (2). Last evaluated 2025-08-07.

gnomAD v4.1: 3 of 1,209,948 alleles (0.00025%); highest among the groups gnomAD compares: South Asian, 0.0053%; no homozygotes.

Submissions (2):

Ambry Genetics
Classification: Uncertain significance. Last evaluated: 2025-08-07. Review status: criteria provided, single submitter. Criteria: Ambry Variant Classification Scheme 2023. Collection method: clinical testing. Allele origin: germline.

Labcorp Genetics (formerly Invitae), Labcorp
Classification: Uncertain significance. Last evaluated: 2024-12-30. Review status: criteria provided, single submitter. Criteria: Invitae Variant Classification Sherloc (09022015). Collection method: clinical testing. Allele origin: germline.
Comment: This sequence change replaces isoleucine, which is neutral and non-polar, with phenylalanine, which is neutral and non-polar, at codon 184 of the NEXMIF protein (p.Ile184Phe). This variant is present in population databases (rs778749406, gnomAD 0.005%). This variant has not been reported in the literature in individuals affected with NEXMIF-related conditions. An algorithm developed to predict the effect of missense changes on protein structure and function (PolyPhen-2) suggests that this variant is likely to be disruptive. In summary, the available evidence is currently insufficient to determine the role of this variant in disease. Therefore, it has been classified as a Variant of Uncertain Significance.

NM_001008537.3(NEXMIF):c.550A>T (p.Ile184Phe)

Gene: NEXMIF (neurite extension and migration factor; minus strand). Cytogenetic location: Xq13.3.
Variant type: single nucleotide variant.
Coding change: c.550A>T on transcript NM_001008537.3 (MANE Select); coding-DNA position 550, A replaced by T.
Protein change: p.Ile184Phe; replaces isoleucine 184 with phenylalanine.
Molecular consequence: missense variant.
Genome position (GRCh38, 1-based): chrX:74,744,007, T>A on the plus strand (A>T on the coding strand, the complement: NEXMIF is on the minus strand). VCF-style: chrX-74744007-T-A. GRCh37 (hg19) VCF-style: chrX-73963842-T-A.
Other names: c.550A>T (NM_001008537.2); short protein forms I184F.
Identifiers: ClinVar variation 3613844 (VCV003613844.3).